The following is an entry in ClinVar:

ClinVar aggregate classification (germline): Uncertain significance (1 of 4 stars; one submission).

Conditions:
Hereditary cancer-predisposing syndrome. Also called: Neoplastic Syndromes, Hereditary; Tumor predisposition; Hereditary Cancer Syndrome; Hereditary neoplastic syndrome. Identifiers: Orphanet 140162, MedGen C0027672, MeSH D009386, MONDO:0015356.

Submission:

Ambry Genetics
Classification: Uncertain significance for Hereditary cancer-predisposing syndrome. Last evaluated: 2021-08-09. Review status: criteria provided, single submitter. Criteria: Ambry Variant Classification Scheme 2023. Collection method: clinical testing. Allele origin: germline.
Comment: The p.Q123H variant (also known as c.369A>C), located in coding exon 2 of the BLM gene, results from an A to C substitution at nucleotide position 369. The glutamine at codon 123 is replaced by histidine, an amino acid with highly similar properties. This amino acid position is conserved. In addition, this alteration is predicted to be tolerated by in silico analysis. Since supporting evidence is limited at this time, the clinical significance of this alteration remains unclear.

NM_000057.4(BLM):c.369A>C (p.Gln123His)

Gene: BLM (BLM RecQ like helicase; plus strand). Cytogenetic location: 15q26.1.
Variant type: single nucleotide variant.
Coding change: c.369A>C on transcript NM_000057.4 (MANE Select); coding-DNA position 369, A replaced by C.
Protein change: p.Gln123His; replaces glutamine 123 with histidine.
Molecular consequence: missense variant. On other transcripts: 5 prime UTR variant (1).
Genome position (GRCh38, 1-based): chr15:90,749,637, A>C. VCF-style: chr15-90749637-A-C. GRCh37 (hg19) VCF-style: chr15-91292867-A-C.
Other names: c.369A>C, p.Gln123His (NM_001287246.2, NM_001287247.2); c.-923A>C (NM_001287248.2); short protein forms Q123H.
Identifiers: ClinVar variation 1734020 (VCV001734020.2), dbSNP rs1895612419, ClinGen allele CA393840403.